The following is an entry in ClinVar:

ClinVar aggregate classification (germline): Pathogenic (1 of 4 stars; one submission).

Submission:

Labcorp Genetics (formerly Invitae), Labcorp
Classification: Pathogenic. Last evaluated: 2024-02-05. Review status: criteria provided, single submitter. Criteria: Invitae Variant Classification Sherloc (09022015). Collection method: clinical testing. Allele origin: germline.
Comment: This sequence change creates a premature translational stop signal (p.Glu389Leufs*3) in the DLL3 gene. It is expected to result in an absent or disrupted protein product. Loss-of-function variants in DLL3 are known to be pathogenic (PMID: 12746394). This variant is not present in population databases (gnomAD no frequency). This variant has not been reported in the literature in individuals affected with DLL3-related conditions. For these reasons, this variant has been classified as Pathogenic.

Literature cited by the submitters: PubMed 12746394.

NM_203486.3(DLL3):c.1165_1196del (p.Glu389fs)

Gene: DLL3 (delta like canonical Notch ligand 3; plus strand). Cytogenetic location: 19q13.2.
Variant type: Deletion.
Coding change: c.1165_1196del on transcript NM_203486.3 (MANE Select); coding-DNA positions 1165 to 1196, 32 bases deleted.
Protein change: p.Glu389fs; shifts the reading frame from glutamic acid 389.
Molecular consequence: frameshift variant.
Genome position (GRCh38, 1-based): chr19:39,507,110-39,507,141, 32 bases deleted; deleting any 32 consecutive bases within chr19:39,507,108-39,507,141 gives the same sequence; the c. name uses the placement nearest the transcript's 3' end. GRCh37 (hg19): chr19:39,997,750-39,997,781.
Other names: c.1165_1196del, p.Glu389fs (NM_016941.4); short protein forms E389fs.
Identifiers: ClinVar variation 3669097 (VCV003669097.2).